The following is an entry in ClinVar:

ClinVar aggregate classification (germline): Uncertain significance. Review status: criteria provided, multiple submitters, no conflicts (2 of 4 stars). 2 submissions from 2 submitters: Uncertain significance (2). Last evaluated 2025-08-31.

Conditions:
Noonan syndrome (NS). Also called: Noonan's syndrome. Identifiers: Orphanet 648, MedGen C0028326, MeSH D009634, MONDO:0018997. Disease mechanism: gain of function.

Submissions (2):

Ambry Genetics
Classification: Uncertain significance. Last evaluated: 2025-08-31. Review status: criteria provided, single submitter. Criteria: Ambry Variant Classification Scheme 2023. Collection method: clinical testing. Allele origin: germline.
Comment: The p.S158F variant (also known as c.473C>T), located in coding exon 5 of the RRAS gene, results from a C to T substitution at nucleotide position 473. The serine at codon 158 is replaced by phenylalanine, an amino acid with highly dissimilar properties. This amino acid position is conserved. In addition, this alteration is predicted to be tolerated by in silico analysis. Based on the available evidence, the clinical significance of this variant remains unclear.

Labcorp Genetics (formerly Invitae), Labcorp
Classification: Uncertain significance for Noonan syndrome. Last evaluated: 2024-10-16. Review status: criteria provided, single submitter. Criteria: Invitae Variant Classification Sherloc (09022015). Collection method: clinical testing. Allele origin: germline.
Comment: This sequence change replaces serine, which is neutral and polar, with phenylalanine, which is neutral and non-polar, at codon 158 of the RRAS protein (p.Ser158Phe). This variant is not present in population databases (gnomAD no frequency). This variant has not been reported in the literature in individuals affected with RRAS-related conditions. An algorithm developed to predict the effect of missense changes on protein structure and function (PolyPhen-2) suggests that this variant is likely to be tolerated. In summary, the available evidence is currently insufficient to determine the role of this variant in disease. Therefore, it has been classified as a Variant of Uncertain Significance.

NM_006270.5(RRAS):c.473C>T (p.Ser158Phe)

Gene: RRAS (RAS related; minus strand). Cytogenetic location: 19q13.33.
Variant type: single nucleotide variant.
Coding change: c.473C>T on transcript NM_006270.5 (MANE Select); coding-DNA position 473, C replaced by T.
Protein change: p.Ser158Phe; replaces serine 158 with phenylalanine.
Molecular consequence: missense variant.
Genome position (GRCh38, 1-based): chr19:49,635,833, G>A on the plus strand (C>T on the coding strand, the complement: RRAS is on the minus strand). VCF-style: chr19-49635833-G-A. GRCh37 (hg19) VCF-style: chr19-50139090-G-A.
Other names: c.473C>T (NM_006270.3); short protein forms S158F.
Identifiers: ClinVar variation 3670698 (VCV003670698.3).